The following is an entry in ClinVar:

ClinVar aggregate classification (germline): Uncertain significance. Review status: reviewed by expert panel (3 of 4 stars). 3 submissions from 3 submitters: Uncertain significance (1). 2 of the submissions do not count toward it. Last evaluated 2024-06-10.

Conditions:
Severe combined immunodeficiency, autosomal recessive, T cell-negative, B cell-negative, NK cell-negative, due to adenosine deaminase deficiency. Also called: ADA deficiency; Adenosine deaminase deficient severe combined immunodeficiency; Severe combined immunodeficiency due to ADA deficiency; ADA-SCID; Adenosine Deaminase Deficiency; SCID DUE TO ADA DEFICIENCY. Identifiers: Orphanet 277, MedGen C0392607, MONDO:0007064, OMIM 102700.

Allele frequency attached by ClinVar (database versions not stated): gnomAD 0.00003; gnomAD exomes 0.00003 and 0.00006; TOPMed 0.00005; ExAC 0.00006.
gnomAD v4.1: 53 of 1,613,926 alleles (0.0033%); highest among the groups gnomAD compares: Admixed American, 0.022%; no homozygotes.

Submissions (3):

ClinGen Severe Combined Immunodeficiency Variant Curation Expert Panel, ClinGen
Classification: Uncertain significance for Severe combined immunodeficiency, autosomal recessive, T cell-negative, B cell-negative, NK cell-negative, due to adenosine deaminase deficiency. Last evaluated: 2024-06-10. Review status: reviewed by expert panel. Criteria: ClinGen SCID ACMG Specifications ADA V1.0.0. Collection method: curation. Allele origin: germline. Inheritance: Autosomal recessive inheritance.
Comment: NM_000022.4 :c.622G>A is a missense variant predicted to cause substitution of Glycine by Serine at amino acid 208 (p.Gly208Ser). The filtering allele frequency (the upper threshold of the 95% CI of 13/59996) of the c.622G>A variant in ADA is 0.0001715 for Admixed American chromosomes by gnomAD v4, which is lower than the ClinGen SCID VCEP threshold (<0.0001742) for PM2_Supporting, and therefore meets this criterion (PM2_Supporting). There are no publications for this variant in the literature. Based on insufficient evidence, this variant may be classified as variant of uncertain significance for autosomal recessive SCID based on ACMG/AMP criteria applied, as specified by the ClinGen SCID VCEP(specification version 1.0): PM2_Supporting.

Labcorp Genetics (formerly Invitae), Labcorp
Classification: Uncertain significance for Severe combined immunodeficiency, autosomal recessive, T cell-negative, B cell-negative, NK cell-negative, due to adenosine deaminase deficiency. Last evaluated: 2022-08-16. Review status: criteria provided, single submitter. Criteria: Invitae Variant Classification Sherloc (09022015). Collection method: clinical testing. Allele origin: germline. Not counted in ClinVar's aggregate classification.
Comment: This sequence change replaces glycine, which is neutral and non-polar, with serine, which is neutral and polar, at codon 208 of the ADA protein (p.Gly208Ser). This variant is present in population databases (rs761846813, gnomAD 0.04%). This variant has not been reported in the literature in individuals affected with ADA-related conditions. ClinVar contains an entry for this variant (Variation ID: 967164). Advanced modeling of protein sequence and biophysical properties (such as structural, functional, and spatial information, amino acid conservation, physicochemical variation, residue mobility, and thermodynamic stability) performed at Invitae indicates that this missense variant is expected to disrupt ADA protein function. In summary, the available evidence is currently insufficient to determine the role of this variant in disease. Therefore, it has been classified as a Variant of Uncertain Significance.

Natera, Inc.
Classification: Uncertain significance for Severe combined immunodeficiency due to ADA deficiency. Last evaluated: 2020-03-01. Review status: no assertion criteria provided. Collection method: clinical testing. Allele origin: germline. Not counted in ClinVar's aggregate classification.

NM_000022.4(ADA):c.622G>A (p.Gly208Ser)

Gene: ADA (adenosine deaminase; minus strand). Cytogenetic location: 20q13.12.
Variant type: single nucleotide variant.
Coding change: c.622G>A on transcript NM_000022.4 (MANE Select); coding-DNA position 622, G replaced by A.
Protein change: p.Gly208Ser; replaces glycine 208 with serine.
Molecular consequence: missense variant. On other transcripts: non-coding transcript variant (1), intron variant (1).
Genome position (GRCh38, 1-based): chr20:44,623,063, C>T on the plus strand (G>A on the coding strand, the complement: ADA is on the minus strand). VCF-style: chr20-44623063-C-T. GRCh37 (hg19) VCF-style: chr20-43251704-C-T.
Other names: NM_000022.4(ADA):c.622G>A; p.Gly208Ser; c.217G>A, p.Gly73Ser (NM_001322050.2); c.607-133G>A (NM_001322051.2); short protein forms G208S, G73S.
Identifiers: ClinVar variation 967164 (VCV000967164.7), dbSNP rs761846813, ClinGen allele CA9871582.